The following is an entry in ClinVar:

ClinVar aggregate classification (germline): Uncertain significance (1 of 4 stars; one submission).

gnomAD v4.1: 3 of 1,604,028 alleles (0.00019%); highest among the groups gnomAD compares: Non-Finnish European, 0.00025%; no homozygotes.

Submission:

Labcorp Genetics (formerly Invitae), Labcorp
Classification: Uncertain significance. Last evaluated: 2022-08-19. Review status: criteria provided, single submitter. Criteria: Invitae Variant Classification Sherloc (09022015). Collection method: clinical testing. Allele origin: germline.
Comment: This sequence change replaces glutamic acid, which is acidic and polar, with lysine, which is basic and polar, at codon 589 of the SLC9A3 protein (p.Glu589Lys). This variant is not present in population databases (gnomAD no frequency). This variant has not been reported in the literature in individuals affected with SLC9A3-related conditions. Algorithms developed to predict the effect of missense changes on protein structure and function are either unavailable or do not agree on the potential impact of this missense change (SIFT: "Not Available"; PolyPhen-2: "Benign"; Align-GVGD: "Not Available"). In summary, the available evidence is currently insufficient to determine the role of this variant in disease. Therefore, it has been classified as a Variant of Uncertain Significance.

NM_004174.4(SLC9A3):c.1765G>A (p.Glu589Lys)

Genes: SLC9A3 (solute carrier family 9 member A3), SLC9A3-AS1 (SLC9A3 antisense RNA 1; plus strand). Cytogenetic location: 5p15.33.
Variant type: single nucleotide variant.
Coding change: c.1765G>A on transcript NM_004174.4 (MANE Select); coding-DNA position 1765, G replaced by A.
Protein change: p.Glu589Lys; replaces glutamic acid 589 with lysine.
Molecular consequence: missense variant.
Genome position (GRCh38, 1-based): chr5:476,668, C>T on the plus strand (G>A on the coding strand, the complement: SLC9A3 is on the minus strand). VCF-style: chr5-476668-C-T. GRCh37 (hg19) VCF-style: chr5-476783-C-T.
Other names: c.1738G>A, p.Glu580Lys (NM_001284351.3); short protein forms E589K, E580K.
Identifiers: ClinVar variation 1939584 (VCV001939584.5), dbSNP rs1444197807, ClinGen allele CA359026060.